The following is an entry in ClinVar:

NM_020971.3(SPTBN4):c.3663G>A (p.Ala1221=)

Gene: SPTBN4 (spectrin beta, non-erythrocytic 4; plus strand). Cytogenetic location: 19q13.2.
Variant type: single nucleotide variant.
Coding change: c.3663G>A on transcript NM_020971.3 (MANE Select); coding-DNA position 3663, G replaced by A.
Protein change: p.Ala1221=; no amino-acid change (alanine 1221 retained).
Molecular consequence: synonymous variant.
Genome position (GRCh38, 1-based): chr19:40,523,445, G>A. VCF-style: chr19-40523445-G-A. GRCh37 (hg19) VCF-style: chr19-41029352-G-A.
Identifiers: ClinVar variation 3052333 (VCV003052333.3), dbSNP rs372289365, ClinGen allele CA9446047.

ClinVar aggregate classification (germline): Likely benign. Review status: criteria provided, single submitter (1 of 4 stars). 2 submissions from 2 submitters: Likely benign (1). 1 of the submissions does not count toward it. Last evaluated 2024-11-20.

Conditions:
SPTBN4-related disorder. Also called: SPTBN4-related condition.

Allele frequency attached by ClinVar (database versions not stated): gnomAD exomes 0.00003; ExAC 0.00010; gnomAD 0.00011; TOPMed 0.00015.
gnomAD v4.1: 120 of 1,604,424 alleles (0.0075%); highest among the groups gnomAD compares: East Asian, 0.092%; 3 homozygotes.

Submissions (2):

Blueprint Genetics
Classification: Likely benign. Last evaluated: 2024-11-20. Review status: criteria provided, single submitter. Criteria: ACMG Guidelines, 2015. Collection method: clinical testing. Allele origin: germline.

PreventionGenetics, part of Exact Sciences
Classification: Likely benign for SPTBN4-related condition. Last evaluated: 2019-08-28. Review status: no assertion criteria provided. Collection method: clinical testing. Allele origin: germline. Not counted in ClinVar's aggregate classification.
Comment: This variant is classified as likely benign based on ACMG/AMP sequence variant interpretation guidelines (Richards et al. 2015 PMID: 25741868, with internal and published modifications).